The following is an entry in ClinVar:

ClinVar aggregate classification (germline): Uncertain significance. Review status: criteria provided, multiple submitters, no conflicts (2 of 4 stars). 6 submissions from 6 submitters: Uncertain significance (3). 3 of the submissions do not count toward it. Last evaluated 2025-11-13.

Conditions:
Inborn genetic diseases. Identifiers: MedGen C0950123, MeSH D030342.

Allele frequency attached by ClinVar (database versions not stated): gnomAD exomes 0.00001 and 0.00002; TOPMed 0.00003; gnomAD 0.00004.
gnomAD v4.1: 27 of 1,578,370 alleles (0.0017%); highest among the groups gnomAD compares: East Asian, 0.014%; 1 homozygote.

Submissions (6):

Labcorp Genetics (formerly Invitae), Labcorp
Classification: Uncertain significance. Last evaluated: 2025-11-13. Review status: criteria provided, single submitter. Criteria: Invitae Variant Classification Sherloc (09022015). Collection method: clinical testing. Allele origin: germline.
Comment: This sequence change replaces threonine, which is neutral and polar, with serine, which is neutral and polar, at codon 503 of the ACAN protein (p.Thr503Ser). This variant is present in population databases (rs374406298, gnomAD 0.03%). This variant has not been reported in the literature in individuals affected with ACAN-related conditions. ClinVar contains an entry for this variant (Variation ID: 1297739). Invitae Evidence Modeling of protein sequence and biophysical properties (such as structural, functional, and spatial information, amino acid conservation, physicochemical variation, residue mobility, and thermodynamic stability) indicates that this missense variant is not expected to disrupt ACAN protein function with a negative predictive value of 80%. In summary, the available evidence is currently insufficient to determine the role of this variant in disease. Therefore, it has been classified as a Variant of Uncertain Significance.

GeneDx
Classification: Uncertain significance. Last evaluated: 2024-09-12. Review status: criteria provided, single submitter. Criteria: GeneDx Variant Classification Process June 2021. Collection method: clinical testing. Allele origin: germline. Affected: yes.
Comment: In silico analysis indicates that this missense variant does not alter protein structure/function; Has not been previously published as pathogenic or benign to our knowledge

Ambry Genetics
Classification: Uncertain significance for Inborn genetic diseases. Last evaluated: 2023-08-20. Review status: criteria provided, single submitter. Criteria: Ambry Variant Classification Scheme 2023. Collection method: clinical testing. Allele origin: germline.

Clinical Genetics DNA and cytogenetics Diagnostics Lab, Erasmus MC, Erasmus Medical Center
Classification: Uncertain significance. Review status: no assertion criteria provided. Collection method: clinical testing. Allele origin: germline. Affected: yes. Study: VKGL Data-share Consensus. Not counted in ClinVar's aggregate classification.

Joint Genome Diagnostic Labs from Nijmegen and Maastricht, Radboudumc and MUMC+
Classification: Uncertain significance. Review status: no assertion criteria provided. Collection method: clinical testing. Allele origin: germline. Affected: yes. Study: VKGL Data-share Consensus. Not counted in ClinVar's aggregate classification.

Laboratory of Diagnostic Genome Analysis, Leiden University Medical Center (LUMC)
Classification: Uncertain significance. Review status: no assertion criteria provided. Collection method: clinical testing. Allele origin: germline. Affected: yes. Study: VKGL Data-share Consensus. Not counted in ClinVar's aggregate classification.

NM_001369268.1(ACAN):c.1507A>T (p.Thr503Ser)

Gene: ACAN (aggrecan; plus strand). Cytogenetic location: 15q26.1.
Variant type: single nucleotide variant.
Coding change: c.1507A>T on transcript NM_001369268.1 (MANE Select); coding-DNA position 1507, A replaced by T.
Protein change: p.Thr503Ser; replaces threonine 503 with serine.
Molecular consequence: missense variant.
Genome position (GRCh38, 1-based): chr15:88,847,320, A>T. VCF-style: chr15-88847320-A-T. GRCh37 (hg19) VCF-style: chr15-89390551-A-T.
Other names: c.1507A>T (NM_013227.3); c.1507A>T, p.Thr503Ser (NM_001135.4, NM_013227.4); short protein forms T503S.
Identifiers: ClinVar variation 1297739 (VCV001297739.13), dbSNP rs374406298, ClinGen allele CA7719571.